The following is an entry in ClinVar:

ClinVar aggregate classification (germline): Uncertain significance (1 of 4 stars; one submission).

Submission:

Department of Human Genetics, University Hospital Magdeburg
Classification: Uncertain significance. Last evaluated: 2020-07-09. Review status: criteria provided, single submitter. Criteria: ACMG Guidelines, 2015. Collection method: clinical testing. Allele origin: unknown. Inheritance: Autosomal dominant inheritance. Observed: 1 variant allele.
Comment: This variant was not present in gnomAD (PM2). In-silico prediction yielded inconsistent results. The segregation was not tested.

NM_144670.6(A2ML1):c.1817A>G (p.Glu606Gly)

Gene: A2ML1 (alpha-2-macroglobulin like 1; plus strand). Cytogenetic location: 12p13.31.
Variant type: single nucleotide variant.
Coding change: c.1817A>G on transcript NM_144670.6 (MANE Select); coding-DNA position 1817, A replaced by G.
Protein change: p.Glu606Gly; replaces glutamic acid 606 with glycine.
Molecular consequence: missense variant.
Genome position (GRCh38, 1-based): chr12:8,847,682, A>G. VCF-style: chr12-8847682-A-G. GRCh37 (hg19) VCF-style: chr12-9000278-A-G.
Other names: c.344A>G, p.Glu115Gly (NM_001282424.3); short protein forms E115G, E606G.
Identifiers: ClinVar variation 933218 (VCV000933218.1), dbSNP rs1943742434, ClinGen allele CA383829912.